The following is an entry in ClinVar:

NM_000454.5(SOD1):c.49G>T (p.Gly17Cys)

Genes: SOD1 (superoxide dismutase 1; plus strand), SOD1-DT (SOD1 divergent transcript; minus strand). Cytogenetic location: 21q22.11.
Variant type: single nucleotide variant.
Coding change: c.49G>T on transcript NM_000454.5 (MANE Select); coding-DNA position 49, G replaced by T.
Protein change: p.Gly17Cys; replaces glycine 17 with cysteine.
Molecular consequence: missense variant.
Genome position (GRCh38, 1-based): chr21:31,659,818, G>T. VCF-style: chr21-31659818-G-T. GRCh37 (hg19) VCF-style: chr21-33032131-G-T.
Other names: short protein forms G17C.
Identifiers: ClinVar variation 1477719 (VCV001477719.8), dbSNP rs121912453, ClinGen allele CA410036024.

ClinVar aggregate classification (germline): Likely pathogenic (1 of 4 stars; one submission).

Conditions:
Amyotrophic lateral sclerosis type 1 (ALS1). Also called: AMYOTROPHIC LATERAL SCLEROSIS 1, FAMILIAL. Identifiers: Orphanet 803, MedGen C1862939, MONDO:0007103, OMIM 105400.

Submission:

Labcorp Genetics (formerly Invitae), Labcorp
Classification: Likely pathogenic for Amyotrophic lateral sclerosis type 1. Last evaluated: 2021-05-07. Review status: criteria provided, single submitter. Criteria: Invitae Variant Classification Sherloc (09022015). Collection method: clinical testing. Allele origin: germline.
Comment: In summary, the currently available evidence indicates that the variant is pathogenic, but additional data are needed to prove that conclusively. Therefore, this variant has been classified as Likely Pathogenic. This variant disrupts the p.Gly17 amino acid residue in SOD1. Other variant(s) that disrupt this residue have been determined to be pathogenic (PMID: 22244934, 25509359, 25623562, 23280792). This suggests that this residue is clinically significant, and that variants that disrupt this residue are likely to be disease-causing. Advanced modeling of protein sequence and biophysical properties (such as structural, functional, and spatial information, amino acid conservation, physicochemical variation, residue mobility, and thermodynamic stability) performed at Invitae indicates that this missense variant is expected to disrupt SOD1 protein function. This variant has been observed in individual(s) with autosomal dominant amyotrophic lateral sclerosis (PMID: 30887850, Invitae). This variant is not present in population databases (ExAC no frequency). This sequence change replaces glycine with cysteine at codon 17 of the SOD1 protein (p.Gly17Cys). The glycine residue is highly conserved and there is a large physicochemical difference between glycine and cysteine.

Literature cited by the submitters: PubMed 22244934; PubMed 25509359; PubMed 25623562; PubMed 23280792; PubMed 30887850.